The following is an entry in ClinVar:

NM_001376.5(DYNC1H1):c.719C>T (p.Thr240Ile)

Gene: DYNC1H1 (dynein cytoplasmic 1 heavy chain 1; plus strand). Cytogenetic location: 14q32.31.
Variant type: single nucleotide variant.
Coding change: c.719C>T on transcript NM_001376.5 (MANE Select); coding-DNA position 719, C replaced by T.
Protein change: p.Thr240Ile; replaces threonine 240 with isoleucine.
Molecular consequence: missense variant.
Genome position (GRCh38, 1-based): chr14:101,979,919, C>T. VCF-style: chr14-101979919-C-T. GRCh37 (hg19) VCF-style: chr14-102446256-C-T.
Other names: short protein forms T240I.
Identifiers: ClinVar variation 2912273 (VCV002912273.3), dbSNP rs371221480, ClinGen allele CA7351568.

ClinVar aggregate classification (germline): Uncertain significance (1 of 4 stars; one submission).

Conditions:
Charcot-Marie-Tooth disease axonal type 2O. Also called: CHARCOT-MARIE-TOOTH NEUROPATHY, AXONAL, TYPE 2O; CHARCOT-MARIE-TOOTH DISEASE, AXONAL, AUTOSOMAL DOMINANT, TYPE 2O; Charcot-Marie-Tooth Neuropathy Type 2O; Charcot-Marie-Tooth disease, axonal, type 20. Identifiers: Orphanet 284232, MedGen C3280220, MONDO:0013644, OMIM 614228.

Allele frequency attached by ClinVar (database versions not stated): gnomAD exomes below 0.00001; ExAC 0.00001; ESP Exome Variant Server 0.00008.

Submission:

Labcorp Genetics (formerly Invitae), Labcorp
Classification: Uncertain significance for Charcot-Marie-Tooth disease axonal type 2O. Last evaluated: 2023-04-06. Review status: criteria provided, single submitter. Criteria: Invitae Variant Classification Sherloc (09022015). Collection method: clinical testing. Allele origin: germline.
Comment: This sequence change replaces threonine, which is neutral and polar, with isoleucine, which is neutral and non-polar, at codon 240 of the DYNC1H1 protein (p.Thr240Ile). This variant is not present in population databases (gnomAD no frequency). This variant has not been reported in the literature in individuals affected with DYNC1H1-related conditions. Advanced modeling of protein sequence and biophysical properties (such as structural, functional, and spatial information, amino acid conservation, physicochemical variation, residue mobility, and thermodynamic stability) has been performed at Invitae for this missense variant, however the output from this modeling did not meet the statistical confidence thresholds required to predict the impact of this variant on DYNC1H1 protein function. In summary, the available evidence is currently insufficient to determine the role of this variant in disease. Therefore, it has been classified as a Variant of Uncertain Significance.